The following is an entry in ClinVar:

NM_006922.4(SCN3A):c.4780T>C (p.Phe1594Leu)

Gene: SCN3A (sodium voltage-gated channel alpha subunit 3; minus strand). Cytogenetic location: 2q24.3.
Variant type: single nucleotide variant.
Coding change: c.4780T>C on transcript NM_006922.4 (MANE Select); coding-DNA position 4780, T replaced by C.
Protein change: p.Phe1594Leu; replaces phenylalanine 1594 with leucine.
Molecular consequence: missense variant.
Genome position (GRCh38, 1-based): chr2:165,092,281, A>G on the plus strand (T>C on the coding strand, the complement: SCN3A is on the minus strand). VCF-style: chr2-165092281-A-G. GRCh37 (hg19) VCF-style: chr2-165948791-A-G.
Other names: c.4633T>C, p.Phe1545Leu (NM_001081676.2, NM_001081677.2); short protein forms F1545L, F1594L.
Identifiers: ClinVar variation 1052032 (VCV001052032.12), dbSNP rs947813427, ClinGen allele CA59709511.

ClinVar aggregate classification (germline): Uncertain significance. Review status: criteria provided, multiple submitters, no conflicts (2 of 4 stars). 2 submissions from 2 submitters: Uncertain significance (2). Last evaluated 2026-05-19.

Allele frequency attached by ClinVar (database versions not stated): gnomAD exomes below 0.00001; gnomAD 0.00001.
gnomAD v4.1: 2 of 1,613,896 alleles (0.00012%); highest among the groups gnomAD compares: Admixed American, 0.0017%; no homozygotes.

Submissions (2):

GeneDx
Classification: Uncertain significance. Last evaluated: 2026-05-19. Review status: criteria provided, single submitter. Criteria: GeneDx Variant Classification Process June 2021. Collection method: clinical testing. Allele origin: germline.
Comment: Not observed at significant frequency in large population cohorts (gnomAD); In silico analysis supports that this missense variant has a deleterious effect on protein structure/function; Has not been previously published as pathogenic or benign to our knowledge

Labcorp Genetics (formerly Invitae), Labcorp
Classification: Uncertain significance. Last evaluated: 2023-02-06. Review status: criteria provided, single submitter. Criteria: Invitae Variant Classification Sherloc (09022015). Collection method: clinical testing. Allele origin: germline.
Comment: In summary, the available evidence is currently insufficient to determine the role of this variant in disease. Therefore, it has been classified as a Variant of Uncertain Significance. Advanced modeling of protein sequence and biophysical properties (such as structural, functional, and spatial information, amino acid conservation, physicochemical variation, residue mobility, and thermodynamic stability) performed at Invitae indicates that this missense variant is not expected to disrupt SCN3A protein function. ClinVar contains an entry for this variant (Variation ID: 1052032). This variant has not been reported in the literature in individuals affected with SCN3A-related conditions. This variant is not present in population databases (gnomAD no frequency). This sequence change replaces phenylalanine, which is neutral and non-polar, with leucine, which is neutral and non-polar, at codon 1594 of the SCN3A protein (p.Phe1594Leu).